The following is an entry in ClinVar:

NM_004260.4(RECQL4):c.2339G>A (p.Arg780Gln)

Gene: RECQL4 (RecQ like helicase 4; minus strand). Cytogenetic location: 8q24.3.
Variant type: single nucleotide variant.
Coding change: c.2339G>A on transcript NM_004260.4 (MANE Select); coding-DNA position 2339, G replaced by A.
Protein change: p.Arg780Gln; replaces arginine 780 with glutamine.
Molecular consequence: missense variant.
Genome position (GRCh38, 1-based): chr8:144,513,342, C>T on the plus strand (G>A on the coding strand, the complement: RECQL4 is on the minus strand). VCF-style: chr8-144513342-C-T. GRCh37 (hg19) VCF-style: chr8-145738725-C-T.
Other names: short protein forms R780Q.
Identifiers: ClinVar variation 406945 (VCV000406945.9), dbSNP rs369488194, ClinGen allele CA4948327.

ClinVar aggregate classification (germline): Uncertain significance. Review status: criteria provided, multiple submitters, no conflicts (2 of 4 stars). 2 submissions from 2 submitters: Uncertain significance (2). Last evaluated 2025-07-30.

Conditions:
Rothmund-Thomson syndrome type 2 (RTS2). Identifiers: Orphanet 221016, MedGen C5203410, MONDO:0016369, OMIM 268400.
Baller-Gerold syndrome (BGS). Also called: CRANIOSYNOSTOSIS WITH RADIAL DEFECTS. Identifiers: Orphanet 1225, MedGen C0265308, MONDO:0009039, OMIM 218600.

Allele frequency attached by ClinVar (database versions not stated): 1000 Genomes Project 30x 0.00016; 1000 Genomes Project 0.00020.
gnomAD v4.1: 34 of 1,604,512 alleles (0.0021%); highest among the groups gnomAD compares: Admixed American, 0.01%; no homozygotes.

Submissions (2):

Labcorp Genetics (formerly Invitae), Labcorp
Classification: Uncertain significance for Baller-Gerold syndrome. Last evaluated: 2025-07-30. Review status: criteria provided, single submitter. Criteria: Invitae Variant Classification Sherloc (09022015). Collection method: clinical testing. Allele origin: germline.
Comment: This sequence change replaces arginine, which is basic and polar, with glutamine, which is neutral and polar, at codon 780 of the RECQL4 protein (p.Arg780Gln). This variant is present in population databases (rs369488194, gnomAD 0.007%). This variant has not been reported in the literature in individuals affected with RECQL4-related conditions. ClinVar contains an entry for this variant (Variation ID: 406945). Invitae Evidence Modeling of protein sequence and biophysical properties (such as structural, functional, and spatial information, amino acid conservation, physicochemical variation, residue mobility, and thermodynamic stability) indicates that this missense variant is expected to disrupt RECQL4 protein function with a positive predictive value of 80%. In summary, the available evidence is currently insufficient to determine the role of this variant in disease. Therefore, it has been classified as a Variant of Uncertain Significance.

St. Jude Molecular Pathology, St. Jude Children's Research Hospital
Classification: Uncertain significance for Rothmund-Thomson syndrome type 2. Last evaluated: 2025-02-05. Review status: criteria provided, single submitter. Criteria: St. Jude Assertion Criteria 2020. Collection method: clinical testing. Allele origin: germline.
Comment: The RECQL4 c.2339G>A (p.Arg780Gln) missense change has a maximum subpopulation frequency of 0.007% in gnomAD v2.1.1. In silico tools are inconclusive about a pathogenic or benign effect of this variant on protein function, and functional studies have not been performed. This variant has not been reported in individuals with RECQL4-associated conditions. In summary, the evidence currently available is insufficient to determine the clinical significance of this variant. It has therefore been classified as of uncertain significance.